The following is an entry in ClinVar:

NM_001846.4(COL4A2):c.4450C>T (p.Arg1484Cys)

Genes: COL4A2 (collagen type IV alpha 2 chain; plus strand), COL4A2-AS1 (COL4A2 antisense RNA 1; minus strand). Cytogenetic location: 13q34.
Variant type: single nucleotide variant.
Coding change: c.4450C>T on transcript NM_001846.4 (MANE Select); coding-DNA position 4450, C replaced by T.
Protein change: p.Arg1484Cys; replaces arginine 1484 with cysteine.
Molecular consequence: missense variant.
Genome position (GRCh38, 1-based): chr13:110,506,462, C>T. VCF-style: chr13-110506462-C-T. GRCh37 (hg19) VCF-style: chr13-111158809-C-T.
Other names: c.4450C>T (NM_001846.2, NM_001846.3); short protein forms R1484C.
Identifiers: ClinVar variation 2080482 (VCV002080482.8), dbSNP rs189639861, ClinGen allele CA7050545.

ClinVar aggregate classification (germline): Likely benign. Review status: criteria provided, multiple submitters, no conflicts (2 of 4 stars). 3 submissions from 3 submitters: Likely benign (2). 1 of the submissions does not count toward it. Last evaluated 2023-06-29.

Conditions:
COL4A2-related disorder. Also called: COL4A2-related disorders; COL4A2-related condition.
Inborn genetic diseases. Identifiers: MedGen C0950123, MeSH D030342.

Allele frequency attached by ClinVar (database versions not stated): gnomAD 0.00005; 1000 Genomes Project 30x 0.00016; ExAC 0.00002; TOPMed 0.00005; gnomAD exomes 0.00006.
gnomAD v4.1: 86 of 1,612,786 alleles (0.0053%); highest among the groups gnomAD compares: East Asian, 0.031%; no homozygotes.

Submissions (3):

Ambry Genetics
Classification: Likely benign for Inborn genetic diseases. Last evaluated: 2023-06-29. Review status: criteria provided, single submitter. Criteria: Ambry Variant Classification Scheme 2023. Collection method: clinical testing. Allele origin: germline.

Labcorp Genetics (formerly Invitae), Labcorp
Classification: Likely benign. Last evaluated: 2021-12-09. Review status: criteria provided, single submitter. Criteria: Invitae Variant Classification Sherloc (09022015). Collection method: clinical testing. Allele origin: germline.

PreventionGenetics, part of Exact Sciences
Classification: Uncertain significance for COL4A2-related condition. Last evaluated: 2024-01-05. Review status: no assertion criteria provided. Collection method: clinical testing. Allele origin: germline. Not counted in ClinVar's aggregate classification.
Comment: The COL4A2 c.4450C>T variant is predicted to result in the amino acid substitution p.Arg1484Cys. To our knowledge, this variant has not been reported in the literature. This variant is reported in 0.036% of alleles in individuals of East Asian descent in gnomAD. At this time, the clinical significance of this variant is uncertain due to the absence of conclusive functional and genetic evidence.